The following is an entry in ClinVar:

NM_000254.3(MTR):c.1753C>T (p.Arg585Ter)

Gene: MTR (5-methyltetrahydrofolate-homocysteine methyltransferase; plus strand). Cytogenetic location: 1q43.
Variant type: single nucleotide variant.
Coding change: c.1753C>T on transcript NM_000254.3 (MANE Select); coding-DNA position 1753, C replaced by T.
Protein change: p.Arg585Ter; replaces arginine 585 with a stop codon.
Molecular consequence: nonsense.
Genome position (GRCh38, 1-based): chr1:236,852,578, C>T. VCF-style: chr1-236852578-C-T. GRCh37 (hg19) VCF-style: chr1-237015878-C-T.
Other names: c.1753C>T, p.Arg585Ter (NM_001291939.1); c.532C>T, p.Arg178Ter (NM_001291940.2); short protein forms R585*, R178*.
Identifiers: ClinVar variation 14286 (VCV000014286.8), dbSNP rs121913580, ClinGen allele CA257198.

ClinVar aggregate classification (germline): Pathogenic/Likely pathogenic. Review status: criteria provided, multiple submitters, no conflicts (2 of 4 stars). 4 submissions from 4 submitters: Pathogenic (2); Likely pathogenic (1). 1 of the submissions does not count toward it. Last evaluated 2025-02-12.

Conditions:
Neural tube defects, folate-sensitive (NTDFS). Also called: NTD, FOLATE-SENSITIVE. Identifiers: Orphanet 823, MedGen C1866558, MONDO:0011120, OMIM 601634.
Methylcobalamin deficiency type cblG (HMAG). Also called: Functional methionine synthase deficiency type cblG; HOMOCYSTINURIA-MEGALOBLASTIC ANEMIA DUE TO DEFECT IN COBALAMIN METABOLISM, cblG COMPLEMENTATION TYPE; HOMOCYSTINURIA-MEGALOBLASTIC ANEMIA, cblG COMPLEMENTATION TYPE; HOMOCYSTINURIA-MEGALOBLASTIC ANEMIA, cblG TYPE. Identifiers: Orphanet 2170, Orphanet 622, MedGen C1855128, MONDO:0009609, OMIM 250940.

Allele frequency attached by ClinVar (database versions not stated): ExAC 0.00001; gnomAD 0.00001; TOPMed 0.00001; gnomAD exomes 0.00002 and 0.00003.
gnomAD v4.1: 38 of 1,613,900 alleles (0.0024%); highest among the groups gnomAD compares: Non-Finnish European, 0.0028%; no homozygotes.

Submissions (4):

Women's Health and Genetics/Laboratory Corporation of America, LabCorp
Classification: Pathogenic for Methylcobalamin deficiency type cblG. Last evaluated: 2025-02-12. Review status: criteria provided, single submitter. Criteria: LabCorp Variant Classification Summary - May 2015. Collection method: clinical testing. Allele origin: germline.
Comment: Variant summary: MTR c.1753C>T (p.Arg585X) results in a premature termination codon, predicted to cause a truncation of the encoded protein or absence of the protein due to nonsense mediated decay, which are commonly known mechanisms for disease. The variant allele was found at a frequency of 2e-05 in 251306 control chromosomes (gnomAD). c.1753C>T has been reported in the literature in at least an individual affected with methylcobalamin deficiency type cblG (Watkins_2002). The following publication has been ascertained in the context of this evaluation (PMID: 12068375). ClinVar contains an entry for this variant (Variation ID: 14286). Based on the evidence outlined above, the variant was classified as pathogenic.

Fulgent Genetics
Classification: Likely pathogenic for Methylcobalamin deficiency type cblG; Neural tube defects, folate-sensitive. Last evaluated: 2024-05-09. Review status: criteria provided, single submitter. Criteria: ACMG Guidelines, 2015. Collection method: clinical testing. Allele origin: germline.

Labcorp Genetics (formerly Invitae), Labcorp
Classification: Pathogenic for Methylcobalamin deficiency type cblG. Last evaluated: 2023-08-28. Review status: criteria provided, single submitter. Criteria: Invitae Variant Classification Sherloc (09022015). Collection method: clinical testing. Allele origin: germline.
Comment: This sequence change creates a premature translational stop signal (p.Arg585*) in the MTR gene. It is expected to result in an absent or disrupted protein product. Loss-of-function variants in MTR are known to be pathogenic (PMID: 9683607, 12068375). This variant is present in population databases (rs121913580, gnomAD 0.003%). This premature translational stop signal has been observed in individual(s) with clinical features of homocystinuria (PMID: 12068375). ClinVar contains an entry for this variant (Variation ID: 14286). For these reasons, this variant has been classified as Pathogenic.

OMIM
Classification: Pathogenic for HOMOCYSTINURIA-MEGALOBLASTIC ANEMIA, cblG COMPLEMENTATION TYPE. Last evaluated: 2002-07-01. Review status: no assertion criteria provided. Collection method: literature only. Allele origin: germline. Not counted in ClinVar's aggregate classification.

Literature cited by the submitters: PubMed 12068375 (cited by 3 submitters); PubMed 9683607 (cited by Labcorp Genetics (formerly Invitae), Labcorp).